The following is an entry in ClinVar:

ClinVar aggregate classification (germline): Uncertain significance. Review status: criteria provided, multiple submitters, no conflicts (2 of 4 stars). 2 submissions from 2 submitters: Uncertain significance (2). Last evaluated 2024-12-16.

Conditions:
Oculocutaneous albinism type 3 (OCA3). Also called: Rufous OCA; Rufous albinism; ALBINISM III; RUFOUS OCULOCUTANEOUS ALBINISM; XANTHISM; Albinism, oculocutaneous, type III. Identifiers: Orphanet 79433, MedGen C0342683, MONDO:0008747, OMIM 203290.

Allele frequency attached by ClinVar (database versions not stated): gnomAD exomes 0.00003 and 0.00008; gnomAD 0.00004 and 0.00006; ExAC 0.00007; TOPMed 0.00008; ESP Exome Variant Server 0.00015.
gnomAD v4.1: 68 of 1,612,792 alleles (0.0042%); highest among the groups gnomAD compares: Non-Finnish European, 0.00059%; no homozygotes.

Submissions (2):

Labcorp Genetics (formerly Invitae), Labcorp
Classification: Uncertain significance. Last evaluated: 2024-12-16. Review status: criteria provided, single submitter. Criteria: Invitae Variant Classification Sherloc (09022015). Collection method: clinical testing. Allele origin: germline.
Comment: This sequence change replaces glycine, which is neutral and non-polar, with glutamic acid, which is acidic and polar, at codon 309 of the TYRP1 protein (p.Gly309Glu). This variant is present in population databases (rs149856598, gnomAD 0.2%). This variant has not been reported in the literature in individuals affected with TYRP1-related conditions. ClinVar contains an entry for this variant (Variation ID: 912541). Invitae Evidence Modeling of protein sequence and biophysical properties (such as structural, functional, and spatial information, amino acid conservation, physicochemical variation, residue mobility, and thermodynamic stability) indicates that this missense variant is not expected to disrupt TYRP1 protein function with a negative predictive value of 80%. In summary, the available evidence is currently insufficient to determine the role of this variant in disease. Therefore, it has been classified as a Variant of Uncertain Significance.

Illumina Laboratory Services, Illumina
Classification: Uncertain significance for Oculocutaneous albinism type 3. Last evaluated: 2017-04-27. Review status: criteria provided, single submitter. Criteria: ICSL Variant Classification Criteria 13 December 2019. Collection method: clinical testing. Allele origin: germline.
Comment: This variant was observed as part of a predisposition screen in an ostensibly healthy population. A literature search was performed for the gene, cDNA change, and amino acid change (where applicable). Publications were found based on this search. However, the evidence from the literature, in combination with allele frequency data from public databases where available, was not sufficient to rule this variant in or out of causing disease. Therefore, this variant is classified as a variant of unknown significance.

Literature cited by the submitters: PubMed 23862152 (cited by Illumina Laboratory Services, Illumina).

NM_000550.3(TYRP1):c.926G>A (p.Gly309Glu)

Genes: TYRP1 (tyrosinase related protein 1; plus strand), LURAP1L-AS1 (LURAP1L antisense RNA 1; minus strand). Cytogenetic location: 9p23.
Variant type: single nucleotide variant.
Coding change: c.926G>A on transcript NM_000550.3 (MANE Select); coding-DNA position 926, G replaced by A.
Protein change: p.Gly309Glu; replaces glycine 309 with glutamic acid.
Molecular consequence: missense variant.
Genome position (GRCh38, 1-based): chr9:12,702,283, G>A. VCF-style: chr9-12702283-G-A. GRCh37 (hg19) VCF-style: chr9-12702283-G-A.
Other names: short protein forms G309E.
Identifiers: ClinVar variation 912541 (VCV000912541.7), dbSNP rs149856598, ClinGen allele CA4985384.
Genomic context (GRCh38, chr9:12,702,283, plus strand): 5'-AACTCCAAACATTGTGTAAATGTTTCCACATCCCATTTTTTTCTGCAGGCACCGAGGATG[G>A]GCCAATTAGGAGAAATCCAGCTGGAAATGTGGCCAGACCAATGGTGCAACGTCTTCCTGA-3'
Protein context (NP_000541.1, residues 299-319): LGTLCNSTED[Gly309Glu]PIRRNPAGNV